The following is an entry in ClinVar:

ClinVar aggregate classification (germline): Uncertain significance (1 of 4 stars; one submission).

Conditions:
Autosomal recessive limb-girdle muscular dystrophy type 2E (LGMDR4). Also called: MUSCULAR DYSTROPHY, LIMB-GIRDLE, AUTOSOMAL RECESSIVE 4. Identifiers: Orphanet 119, MedGen C1858593, MONDO:0011423, OMIM 604286. Disease mechanism: Affects gamma-sarcoglycan and also disrupts the integrity of the entire sarcoglycan complex..

Submission:

Labcorp Genetics (formerly Invitae), Labcorp
Classification: Uncertain significance for Autosomal recessive limb-girdle muscular dystrophy type 2E. Last evaluated: 2022-08-04. Review status: criteria provided, single submitter. Criteria: Invitae Variant Classification Sherloc (09022015). Collection method: clinical testing. Allele origin: germline.
Comment: In summary, the available evidence is currently insufficient to determine the role of this variant in disease. Therefore, it has been classified as a Variant of Uncertain Significance. Algorithms developed to predict the effect of missense changes on protein structure and function (SIFT, PolyPhen-2, Align-GVGD) all suggest that this variant is likely to be tolerated. This variant has not been reported in the literature in individuals affected with SGCB-related conditions. This variant is not present in population databases (gnomAD no frequency). This sequence change replaces tryptophan, which is neutral and slightly polar, with cysteine, which is neutral and slightly polar, at codon 282 of the SGCB protein (p.Trp282Cys).

NM_000232.5(SGCB):c.846G>C (p.Trp282Cys)

Gene: SGCB (sarcoglycan beta; minus strand). Cytogenetic location: 4q12.
Variant type: single nucleotide variant.
Coding change: c.846G>C on transcript NM_000232.5 (MANE Select); coding-DNA position 846, G replaced by C.
Protein change: p.Trp282Cys; replaces tryptophan 282 with cysteine.
Molecular consequence: missense variant.
Genome position (GRCh38, 1-based): chr4:52,024,068, C>G on the plus strand (G>C on the coding strand, the complement: SGCB is on the minus strand). VCF-style: chr4-52024068-C-G. GRCh37 (hg19) VCF-style: chr4-52890234-C-G.
Other names: short protein forms W282C.
Identifiers: ClinVar variation 1713760 (VCV001713760.6), dbSNP rs2475212560, ClinGen allele CA356875223.